The following is an entry in ClinVar:

ClinVar aggregate classification (germline): Uncertain significance (1 of 4 stars; one submission).

Allele frequency attached by ClinVar (database versions not stated): TOPMed below 0.00001.

Submission:

GeneDx
Classification: Uncertain significance. Last evaluated: 2023-02-07. Review status: criteria provided, single submitter. Criteria: GeneDx Variant Classification Process June 2021. Collection method: clinical testing. Allele origin: germline. Affected: yes.
Comment: Not observed at significant frequency in large population cohorts (gnomAD); In silico analysis supports that this missense variant does not alter protein structure/function; Has not been previously published as pathogenic or benign to our knowledge; This variant is associated with the following publications: (PMID: 14633923)

NM_020975.6(RET):c.488G>T (p.Arg163Leu)

Gene: RET (ret proto-oncogene; plus strand). Cytogenetic location: 10q11.21.
Variant type: single nucleotide variant.
Coding change: c.488G>T on transcript NM_020975.6 (MANE Select); coding-DNA position 488, G replaced by T.
Protein change: p.Arg163Leu; replaces arginine 163 with leucine.
Molecular consequence: missense variant. On other transcripts: intron variant (15).
Genome position (GRCh38, 1-based): chr10:43,102,492, G>T. VCF-style: chr10-43102492-G-T. GRCh37 (hg19) VCF-style: chr10-43597940-G-T.
Other names: c.337+1770G>T (NM_001406777.1, NM_001406790.1, NM_001406788.1 and 8 more transcripts); c.74-6539G>T (NM_001406784.1); c.74-9607G>T (NM_001406794.1, NM_001406792.1, NM_001406793.1); c.488G>T, p.Arg163Leu (NM_000323.2, NM_001406743.1, NM_001406744.1 and 16 more transcripts); c.359G>T, p.Arg120Leu (NM_001406761.1, NM_001406762.1, NM_001406764.1 and 4 more transcripts); short protein forms R120L, R163L.
Identifiers: ClinVar variation 2574749 (VCV002574749.1), dbSNP rs149403911, ClinGen allele CA376543229.